The following is an entry in ClinVar:

ClinVar aggregate classification (germline): Uncertain significance. Review status: criteria provided, multiple submitters, no conflicts (2 of 4 stars). 2 submissions from 2 submitters: Uncertain significance (2). Last evaluated 2021-05-19.

Allele frequency attached by ClinVar (database versions not stated): ESP Exome Variant Server 0.00008; gnomAD exomes 0.00010 and 0.00016; ExAC 0.00013; gnomAD 0.00013 and 0.00014; TOPMed 0.00014.

Submissions (2):

GeneDx
Classification: Uncertain significance. Last evaluated: 2021-05-19. Review status: criteria provided, single submitter. Criteria: GeneDx Variant Classification Process June 2021. Collection method: clinical testing. Allele origin: germline. Affected: yes.
Comment: In silico analysis supports that this missense variant does not alter protein structure/function; This variant is associated with the following publications: (PMID: 27260575)

Eurofins Ntd Llc (ga)
Classification: Uncertain significance. Last evaluated: 2017-11-20. Review status: criteria provided, single submitter. Criteria: EGL Classification Definitions 2015. Collection method: clinical testing. Allele origin: germline. Observed: 1 variant allele, 1 heterozygote.

NM_016366.3(CABP2):c.227G>A (p.Arg76Gln)

Gene: CABP2 (calcium binding protein 2; minus strand). Cytogenetic location: 11q13.2.
Variant type: single nucleotide variant.
Coding change: c.227G>A on transcript NM_016366.3 (MANE Select); coding-DNA position 227, G replaced by A.
Protein change: p.Arg76Gln; replaces arginine 76 with glutamine.
Molecular consequence: missense variant.
Genome position (GRCh38, 1-based): chr11:67,521,969, C>T on the plus strand (G>A on the coding strand, the complement: CABP2 is on the minus strand). VCF-style: chr11-67521969-C-T. GRCh37 (hg19) VCF-style: chr11-67289440-C-T.
Other names: c.245G>A, p.Arg82Gln (NM_001318496.2); short protein forms R76Q, R82Q.
Identifiers: ClinVar variation 594965 (VCV000594965.7), dbSNP rs150664916, ClinGen allele CA6142541.